The following is an entry in ClinVar:

ClinVar aggregate classification (germline): Likely benign (1 of 4 stars; one submission).

Allele frequency attached by ClinVar (database versions not stated): 1000 Genomes Project 30x 0.00125; 1000 Genomes Project 0.00140; ESP Exome Variant Server 0.00425; TOPMed 0.00426; ExAC 0.00447; gnomAD 0.00535; gnomAD exomes 0.00708.
gnomAD v4.1: 11,112 of 1,612,952 alleles (0.69%); highest among the groups gnomAD compares: Non-Finnish European, 0.82%; 45 homozygotes.

Submission:

CeGaT Center for Human Genetics Tuebingen
Classification: Likely benign. Last evaluated: 2025-07-01. Review status: criteria provided, single submitter. Criteria: CeGaT Center For Human Genetics Tuebingen Variant Classification Criteria Version 2. Collection method: clinical testing. Allele origin: germline. Affected: yes. Observed: 4 variant alleles.
Comment: BCAS3: BP4, BS2; BCAS3-AS1: BS2

NM_017679.5(BCAS3):c.1720A>C (p.Arg574=)

Genes: BCAS3 (BCAS3 microtubule associated cell migration factor; plus strand), BCAS3-AS1 (BCAS3 antisense RNA 1; minus strand). Cytogenetic location: 17q23.2.
Variant type: single nucleotide variant.
Coding change: c.1720A>C on transcript NM_017679.5 (MANE Select); coding-DNA position 1720, A replaced by C.
Protein change: p.Arg574=; no amino-acid change (arginine 574 retained).
Molecular consequence: synonymous variant. On other transcripts: non-coding transcript variant (3).
Genome position (GRCh38, 1-based): chr17:61,034,748, A>C. VCF-style: chr17-61034748-A-C. GRCh37 (hg19) VCF-style: chr17-59112109-A-C.
Other names: c.1765A>C, p.Arg589= (NM_001099432.3, NM_001330413.2, NM_001353146.2); c.1720A>C, p.Arg574= (NM_001320470.3, NM_001330414.2); c.1855A>C, p.Arg619= (NM_001353144.2); c.1810A>C, p.Arg604= (NM_001353145.2).
Identifiers: ClinVar variation 2647996 (VCV002647996.24), dbSNP rs139961894, ClinGen allele CA8688471.